The following continues an entry in ClinVar:

NM_000543.5(SMPD1):c.1493G>T (p.Arg498Leu)

ClinVar aggregate classification (germline): Pathogenic. Pathogenic (16).

Submissions 12 to 19 of 19:

Broad Center for Mendelian Genomics, Broad Institute of MIT and Harvard
Classification: Pathogenic for Sphingomyelin/cholesterol lipidosis. Last evaluated: 2020-01-22. Review status: criteria provided, single submitter. Criteria: ACMG Guidelines, 2015. Collection method: curation. Allele origin: germline. Inheritance: Autosomal recessive inheritance.
Comment: The p.Arg498Leu variant in SMPD1 (also known as p.Arg496Leu due to a difference in cDNA numbering) has been reported in at least 5 individuals with Niemann-Pick disease (PMID: 2023926, 29995201, 15221801, 18815062) and has been identified in 0.280% (29/10346) of Ashkenazi Jewish chromosomes and 0.005% (6/128826) of European (non-Finnish) chromosomes by the Genome Aggregation Database (gnomAD; dbSNP rs120074117). Although this variant has been seen in the general population, its frequency is not high enough to rule out a pathogenic role due to the increased carrier frequency of this variant in the Ashkenazi Jewish population. This variant has also been reported in ClinVar (VariationID: 2980) as pathogenic by 8 submitters. Animal models in mice have shown that this variant causes Niemann-Pick disease (PMID: 18815062). In vitro functional studies provide additional evidence that the p.Arg498Leu variant may impact protein function (PMID: 18815062). However, these types of assays may not accurately represent biological function. Computational prediction tools and conservation analyses suggest that this variant may impact the protein, though this information is not predictive enough to determine pathogenicity. The presence of this variant in 3 affected homozygotes and in combination with a reported pathogenic variant in 2 individuals with Niemann-Pick disease increases the likelihood that the p.Arg498Leu variant is pathogenic (VariationID: 198093; PMID: 2023926, 29995201, 15221801, 18815062). The phenotype of an individual homozygous for this variant is highly specific for Niemann-Pick disease based on acid sphingomyelinase activity being <10% of normal, consistent with disease (PMID: 18815062). Multiple variants in the same region as p.Arg498Cys have been reported in association with disease in ClinVar and the literature and the variant is located in a region of SMPD1 that is essential to protein folding and stability, suggesting that this variant is in a hot spot and functional domain and supports pathogenicity (VariationID: 167712, 198095; PMID: 18815062, 27725636; DOI: 10.1111/febs.13655). In summary, this variant meets criteria to be classified as pathogenic for Niemann-Pick disease in an autosomal recessive manner based on mouse models, the presence of the variant in affected homozygotes and compound heterozygotes, and the phenotype of individuals with the variant being highly specific for severe disease. ACMG/AMP Criteria applied: PM3_strong, PS3, PP3, PP4, PM1 (Richards 2015).

Myriad Genetics, Inc.
Classification: Pathogenic for Niemann-Pick disease, type A. Last evaluated: 2019-11-12. Review status: criteria provided, single submitter. Criteria: Myriad Women's Health Autosomal Recessive and X-Linked Classification Criteria (2019). Collection method: clinical testing. Allele origin: unknown.
Comment: NM_000543.4(SMPD1):c.1493G>T(R498L, aka R496L) is classified as pathogenic in the context of Niemann-Pick disease. Sources cited for classification include the following: PMID 21502868, 18815062 and 2023926. Classification of NM_000543.4(SMPD1):c.1493G>T(R498L, aka R496L) is based on the following criteria: This is a well-established pathogenic variant in the literature that has been observed more frequently in patients with clinical diagnoses than in healthy populations. Please note: this variant was assessed in the context of healthy population screening.

Women's Health and Genetics/Laboratory Corporation of America, LabCorp
Classification: Pathogenic for Niemann-Pick disease, type A. Last evaluated: 2017-01-12. Review status: criteria provided, single submitter. Criteria: LabCorp Variant Classification Summary - May 2015. Collection method: clinical testing. Allele origin: germline.
Comment: Variant summary: The SMPD1 c.1493G>T (p.Arg498Leu also known as c.1487G>T (p.Arg496Leu) variant located in the Calcineurin-like phophoesterase domain (via InterPro) causes a missense change involving the alteration of a conserved nucleotide, which 4/4 in silico tools (SNPs&GO not captured due to low reliability index) predict a damaging outcome, which is supported by a functional study, Levran_1992. The variant of interest was observed in the large, broad control population, ExAC, with an allele frequency of 14/121136 (1/8650), which does not exceed the estimated maximal expected allele frequency for a pathogenic SMPD1 variant of 1/447. Multiple publications cite the variant to be found in homozygous and compound heterozygous patients diagnosed with both Niemann-Pick Disease type A and B (0.0022361). In addition, multiple clinical diagnostic laboratories classify the variant as pathogenic for both types as well. Therefore, the variant of interest has been classified as "pathogenic."

Knight Diagnostic Laboratories, Oregon Health and Sciences University
Classification: Pathogenic for Niemann-Pick disease, type A. Last evaluated: 2016-06-28. Review status: criteria provided, single submitter. Criteria: ACMG Guidelines, 2015. Collection method: clinical testing. Allele origin: germline. Affected: no. Study: CSER-NextGen.
Comment: The c.1493G>T (p.Arg498Leu) missense variant in the SMPD1 gene has been previously reported in multiple individuals affected with Niemann-Pick Disease Type A (Ricci et al., 2004; Levran et al., 1991). This variant is reported by GeneReviews (Wasserstein and Schuchman, 2015) to be one of three variants that account for over 90% of the cases of Niemann-Pick Disease Type A in individuals of Ashkenazi Jewish ancestry. SMPD1 is the only gene known to cause Niemann-Pick Disease Type A. Furthermore, molecular modeling suggests that the amino acid affected by this variant is near the active site of a metallophosphoesterase-like domain; an in vitro functional assay demonstrated that this variant resulted in reduced enzymatic activity, and mice with this variant also demonstrate very low SMPD1 enzymatic activity in the brain (Jones et al., 2008). This variant is absent or reported at low frequency in the population databases (Exome Sequencing Project = 0.12%%; 1000 Genomes = NA; and ExAC = 0.012%). It has also been shown to segregate with disease in one family over multiple generations (Levran et al., 1991). Multiple in silico algorithms predict this variant to have a deleterious effect (GERP=4.68; CADD = 19.51; PolyPhen = 1.0; SIFT = 0.01). Emory Genetics Laboratory has classified this variant as Pathogenic. Therefore, this collective evidence supports the classification of the c.1493G>T (p.Arg498Leu) as a Pathogenic variant for Niemann-Pick Disease Type A. We have confirmed this finding in our laboratory using Sanger sequencing.

Eurofins Ntd Llc (ga)
Classification: Pathogenic. Last evaluated: 2015-04-06. Review status: criteria provided, single submitter. Criteria: EGL Classification Definitions 2015. Collection method: clinical testing. Allele origin: germline. Observed: 13 variant alleles, 13 heterozygotes.

Counsyl
Classification: Pathogenic for Niemann-Pick disease, type B. Last evaluated: 2015-08-10. Review status: no assertion criteria provided. Collection method: clinical testing. Allele origin: unknown. Not counted in ClinVar's aggregate classification.

OMIM
Classification: Pathogenic for NIEMANN-PICK DISEASE, TYPE A. Last evaluated: 1991-05-01. Review status: no assertion criteria provided. Collection method: literature only. Allele origin: germline. Not counted in ClinVar's aggregate classification.

GeneReviews
No classification provided. Condition: Sphingomyelin/cholesterol lipidosis. Review status: no classification provided. Collection method: literature only. Allele origin: germline. Not counted in ClinVar's aggregate classification.
Comment: 1 of 3 common variants that accounts for more than 90% of pathogenic variants in persons of Ashkenazi Jewish ancestry with Niemann-Pick disease type-A

Literature cited by the submitters: PubMed 1391960 (cited by Labcorp Genetics (formerly Invitae), Labcorp and Women's Health and Genetics/Laboratory Corporation of America, LabCorp); PubMed 1885770 (cited by Labcorp Genetics (formerly Invitae), Labcorp); PubMed 2023926 (cited by 9 submitters); PubMed 18815062 (cited by 6 submitters); PubMed 29995201 (cited by 3 submitters); PubMed 15221801 (cited by 5 submitters); PubMed 12369017 (cited by Dasa and Ambry Genetics); PubMed 33675270 (cited by Dasa); PubMed 15241805 (cited by Natera, Inc.); PubMed 27725636 (cited by Broad Center for Mendelian Genomics, Broad Institute of MIT and Harvard); PubMed 21502868 (cited by Myriad Genetics, Inc. and Counsyl); PubMed 17011332 (cited by Women's Health and Genetics/Laboratory Corporation of America, LabCorp); Levran, O., Desnick, R. J., Schuchman, E. H. Identification of the first mutation in Niemann-Pick types A and B disease, a common point mutation in the Ashkenazi Jewish population. (Abstract) Am. J. Hum. Genet. 47 (suppl.): A162, 1990. (cited by OMIM); NCBI Bookshelf NBK1370 (cited by GeneReviews).